The following is an entry in ClinVar:

NM_001371596.2(MFSD8):c.435A>C (p.Gly145=)

Gene: MFSD8 (major facilitator superfamily domain containing 8; minus strand). Cytogenetic location: 4q28.2.
Variant type: single nucleotide variant.
Coding change: c.435A>C on transcript NM_001371596.2 (MANE Select); coding-DNA position 435, A replaced by C.
Protein change: p.Gly145=; no amino-acid change (glycine 145 retained).
Molecular consequence: synonymous variant.
Genome position (GRCh38, 1-based): chr4:127,943,756, T>G on the plus strand (A>C on the coding strand, the complement: MFSD8 is on the minus strand). VCF-style: chr4-127943756-T-G. GRCh37 (hg19) VCF-style: chr4-128864911-T-G.
Other names: c.435A>C, p.Gly145= (NM_001363520.3, NM_001363521.3, NM_001371591.2 and 5 more transcripts); c.300A>C, p.Gly100= (NM_001371590.2, NM_001371595.1, NM_001410765.1).
Identifiers: ClinVar variation 380256 (VCV000380256.17), dbSNP rs781299975, ClinGen allele CA3077480.

ClinVar aggregate classification (germline): Likely benign. Review status: criteria provided, multiple submitters, no conflicts (2 of 4 stars). 5 submissions from 5 submitters: Likely benign (4). 1 of the submissions does not count toward it. Last evaluated 2026-01-27.

Conditions:
MFSD8-related disorder. Also called: MFSD8-related condition.
Neuronal ceroid lipofuscinosis 7 (CLN7). Also called: MFSD8-Related Neuronal Ceroid-Lipofuscinosis. Identifiers: Orphanet 168491, Orphanet 228366, MedGen C1838571, MONDO:0012588, OMIM 610951.
Inborn genetic diseases. Identifiers: MedGen C0950123, MeSH D030342.

Allele frequency attached by ClinVar (database versions not stated): gnomAD 0.00003 and 0.00004; TOPMed 0.00008; gnomAD exomes 0.00009 and 0.00019; ExAC 0.00017.
gnomAD v4.1: 62 of 1,614,006 alleles (0.0038%); highest among the groups gnomAD compares: Admixed American, 0.1%; no homozygotes.

Submissions (5):

Labcorp Genetics (formerly Invitae), Labcorp
Classification: Likely benign for Neuronal ceroid lipofuscinosis 7. Last evaluated: 2026-01-27. Review status: criteria provided, single submitter. Criteria: Invitae Variant Classification Sherloc (09022015). Collection method: clinical testing. Allele origin: germline.

Blueprint Genetics
Classification: Likely benign. Last evaluated: 2022-03-15. Review status: criteria provided, single submitter. Criteria: ACMG Guidelines, 2015. Collection method: clinical testing. Allele origin: germline.

Ambry Genetics
Classification: Likely benign for Inborn genetic diseases. Last evaluated: 2018-09-21. Review status: criteria provided, single submitter. Criteria: Ambry Variant Classification Scheme 2023. Collection method: clinical testing. Allele origin: germline.

GeneDx
Classification: Likely benign. Last evaluated: 2018-01-30. Review status: criteria provided, single submitter. Criteria: GeneDx Variant Classification (06012015). Collection method: clinical testing. Allele origin: germline. Affected: yes.
Comment: This variant is considered likely benign or benign based on one or more of the following criteria: it is a conservative change, it occurs at a poorly conserved position in the protein, it is predicted to be benign by multiple in silico algorithms, and/or has population frequency not consistent with disease.

PreventionGenetics, part of Exact Sciences
Classification: Likely benign for MFSD8-related condition. Last evaluated: 2023-10-24. Review status: no assertion criteria provided. Collection method: clinical testing. Allele origin: germline. Not counted in ClinVar's aggregate classification.
Comment: This variant is classified as likely benign based on ACMG/AMP sequence variant interpretation guidelines (Richards et al. 2015 PMID: 25741868, with internal and published modifications).